The following is an entry in ClinVar:

NM_004655.4(AXIN2):c.772A>C (p.Thr258Pro)

Gene: AXIN2 (axin 2; minus strand). Cytogenetic location: 17q24.1.
Variant type: single nucleotide variant.
Coding change: c.772A>C on transcript NM_004655.4 (MANE Select); coding-DNA position 772, A replaced by C.
Protein change: p.Thr258Pro; replaces threonine 258 with proline.
Molecular consequence: missense variant.
Genome position (GRCh38, 1-based): chr17:65,557,849, T>G on the plus strand (A>C on the coding strand, the complement: AXIN2 is on the minus strand). VCF-style: chr17-65557849-T-G. GRCh37 (hg19) VCF-style: chr17-63553967-T-G.
Other names: c.772A>C (LRG_296t1); c.772A>C, p.Thr258Pro (NM_001363813.1); short protein forms T258P.
Identifiers: ClinVar variation 654787 (VCV000654787.8), dbSNP rs1183931601, ClinGen allele CA400680310.

ClinVar aggregate classification (germline): Uncertain significance (1 of 4 stars; one submission).

Conditions:
Oligodontia-cancer predisposition syndrome. Also called: TOOTH AGENESIS-COLORECTAL CANCER SYNDROME. Identifiers: Orphanet 300576, MedGen C1837750, MONDO:0012075, OMIM 608615. Disease mechanism: loss of function.

Submission:

Labcorp Genetics (formerly Invitae), Labcorp
Classification: Uncertain significance for Oligodontia-cancer predisposition syndrome. Last evaluated: 2018-11-14. Review status: criteria provided, single submitter. Criteria: Invitae Variant Classification Sherloc (09022015). Collection method: clinical testing. Allele origin: germline.
Comment: In summary, the available evidence is currently insufficient to determine the role of this variant in disease. Therefore, it has been classified as a Variant of Uncertain Significance. Algorithms developed to predict the effect of missense changes on protein structure and function (SIFT, PolyPhen-2, Align-GVGD) all suggest that this variant is likely to be tolerated, but these predictions have not been confirmed by published functional studies and their clinical significance is uncertain. This variant has not been reported in the literature in individuals with AXIN2-related disease. This variant is not present in population databases (ExAC no frequency). This sequence change replaces threonine with proline at codon 258 of the AXIN2 protein (p.Thr258Pro). The threonine residue is moderately conserved and there is a small physicochemical difference between threonine and proline.